The following is an entry in ClinVar:

ClinVar aggregate classification (germline): Likely benign (1 of 4 stars; one submission).

Allele frequency attached by ClinVar (database versions not stated): ExAC 0.00002; gnomAD exomes 0.00003; TOPMed 0.00004; gnomAD 0.00007.

Submission:

CeGaT Center for Human Genetics Tuebingen
Classification: Likely benign. Last evaluated: 2022-12-01. Review status: criteria provided, single submitter. Criteria: CeGaT Center For Human Genetics Tuebingen Variant Classification Criteria Version 2. Collection method: clinical testing. Allele origin: germline. Affected: yes. Observed: 1 variant allele.
Comment: POLM: BP4, BP7

NM_013284.4(POLM):c.441G>A (p.Thr147=)

Gene: POLM (DNA polymerase mu; minus strand). Cytogenetic location: 7p13.
Variant type: single nucleotide variant.
Coding change: c.441G>A on transcript NM_013284.4 (MANE Select); coding-DNA position 441, G replaced by A.
Protein change: p.Thr147=; no amino-acid change (threonine 147 retained).
Molecular consequence: synonymous variant. On other transcripts: non-coding transcript variant (3).
Genome position (GRCh38, 1-based): chr7:44,079,891, C>T on the plus strand (G>A on the coding strand, the complement: POLM is on the minus strand). VCF-style: chr7-44079891-C-T. GRCh37 (hg19) VCF-style: chr7-44119490-C-T.
Other names: c.441G>A, p.Thr147= (NM_001284330.2, NM_001284331.2, NM_001362683.2).
Identifiers: ClinVar variation 2657421 (VCV002657421.24), dbSNP rs775386216, ClinGen allele CA4237234.